The following is an entry in ClinVar:

NM_001009944.3(PKD1):c.5867dup (p.Ser1957fs)

Gene: PKD1 (polycystin 1, transient receptor potential channel interacting; minus strand). Cytogenetic location: 16p13.3.
Variant type: Duplication.
Coding change: c.5867dup on transcript NM_001009944.3 (MANE Select); coding-DNA position 5867, one base duplicated (T; older notation c.5867dupT).
Protein change: p.Ser1957fs; shifts the reading frame from serine 1957.
Molecular consequence: frameshift variant.
Genome position (GRCh38, 1-based): chr16:2,109,300, A duplicated on the plus strand (T on the coding strand, the reverse complement: PKD1 is on the minus strand). VCF-style (leftmost placement, unchanged base first): chr16-2109299-C-CA. GRCh37 (hg19) VCF-style: chr16-2159300-C-CA.
Other names: c.5867dup, p.Ser1957fs (NM_000296.4); short protein forms S1957fs.
Identifiers: ClinVar variation 4818941 (VCV004818941.1).

ClinVar aggregate classification (germline): Pathogenic (1 of 4 stars; one submission).

Conditions:
Polycystic kidney disease, adult type (PKD1). Also called: Polycystic Kidney Disease 1, Autosomal Dominant; Polycystic kidney disease 1; Polycystic kidney disease 1, severe; Polycystic Kidney, Autosomal Dominant; POLYCYSTIC KIDNEY DISEASE, ADULT, TYPE I; POLYCYSTIC KIDNEY DISEASE 1 WITH OR WITHOUT POLYCYSTIC LIVER DISEASE. Identifiers: MedGen C3149841, MONDO:0008263, OMIM 173900.

Submission:

Victorian Clinical Genetics Services, Murdoch Childrens Research Institute
Classification: Pathogenic for Polycystic kidney disease, adult type. Last evaluated: 2025-12-04. Review status: criteria provided, single submitter. Criteria: ACMG Guidelines, 2015. Collection method: clinical testing. Allele origin: germline. Affected: yes.
Comment: This variant is classified as Pathogenic. Evidence in support of pathogenic classification: Variant is predicted to cause nonsense-mediated decay (NMD) and loss of protein (premature termination codon is located at least 54 nucleotides upstream of the final exon-exon junction); Variant is absent from gnomAD (v2, v3 and v4); Other NMD-predicted variant(s) comparable to the one identified in this case have very strong previous evidence for pathogenicity (DECIPHER). Additional information: This variant is heterozygous; This gene is associated with autosomal dominant disease. Polycystic kidney disease 1 (MIM#173900) is predominantly caused by monoallelic variants, with rare reports of biallelic variants causing disease (OMIM); Loss of function is a known mechanism of disease in this gene and is associated with polycystic kidney disease 1 (MIM#173900); Inheritance information for this variant is not currently available in this individual.